The following is an entry in ClinVar:

ClinVar aggregate classification (germline): Uncertain significance. Review status: criteria provided, multiple submitters, no conflicts (2 of 4 stars). 2 submissions from 2 submitters: Uncertain significance (2). Last evaluated 2026-07-09.

Conditions:
CYP21A2-related disorder. Also called: CYP21A2-related condition.
21-Hydroxylase-Deficient Congenital Adrenal Hyperplasia. Also called: ADRENAL HYPERPLASIA, CONGENITAL, DUE TO 21-HYDROXYLASE DEFICIENCY; ADRENAL HYPERPLASIA III. Identifiers: MedGen C2936858, OMIM 201910.

Allele frequency attached by ClinVar (database versions not stated): gnomAD 0.00023; ExAC 0.00092.

Submissions (2):

PreventionGenetics, part of Exact Sciences
Classification: Uncertain significance for CYP21A2-related condition. Last evaluated: 2026-07-09. Review status: criteria provided, single submitter. Criteria: ACMG Guidelines, 2015. Collection method: clinical testing. Allele origin: germline.
Comment: The CYP21A2 c.104C>T variant is predicted to result in the amino acid substitution p.Pro35Leu. This variant was reported in individuals with congenital adrenal hyperplasia (CAH) (also known as P34L in the legacy nomenclature; Coeli et al. 2010. PubMed ID: 20587039; Prado et al. 2021. PubMed ID: 35008721). In the study by Prado et al., this variant was shown to decrease enzyme activity to the level similar to those of the well-documented non-classic CAH-associated variants such as c.844G>T (p.Val282Leu; also known as V281L). However, this variant was only reported as a part of 30kb deletion allele CH-1-like [which contains c.188A>T (p.His63Leu), c.293-13C>G and c.332_339del (p.Gly111Valfs*21)] that is probably enriched in individuals of Latino descent based on the Coeli et al. and Prado et al. studies. To our knowledge, however, this variant has not been previously described in the literature as a single, isolated allele, so its independent effect remains unknown. This variant is reported in 0.084% of alleles in individuals of European (Non-Finnish) descent in gnomAD. This variant falls within a highly paralogous region. Allele frequency data should be interpreted with caution. At this time, the clinical significance of this variant is uncertain due to the absence of conclusive functional and genetic evidence.

Laboratorio de Genetica e Diagnostico Molecular, Hospital Israelita Albert Einstein
Classification: Uncertain significance for 21-Hydroxylase-Deficient Congenital Adrenal Hyperplasia. Last evaluated: 2023-01-20. Review status: criteria provided, single submitter. Criteria: ACMG Guidelines, 2015. Collection method: clinical testing. Allele origin: germline. Affected: yes. Observed: 1 variant allele.
Comment: ACMG classification criteria: PS3 supporting

NM_000500.9(CYP21A2):c.104C>T (p.Pro35Leu)

Genes: CYP21A2 (cytochrome P450 family 21 subfamily A member 2; plus strand), LOC106780800 (CYP21A2 recombination region; plus strand). Cytogenetic location: 6p21.33.
Variant type: single nucleotide variant.
Coding change: c.104C>T on transcript NM_000500.9 (MANE Select); coding-DNA position 104, C replaced by T.
Protein change: p.Pro35Leu; replaces proline 35 with leucine.
Molecular consequence: missense variant. On other transcripts: 5 prime UTR variant (2).
Genome position (GRCh38, 1-based): chr6:32,038,526, C>T. VCF-style: chr6-32038526-C-T. GRCh37 (hg19) VCF-style: chr6-32006303-C-T.
Other names: c.104C>T, p.Pro35Leu (NM_001128590.4); c.-321C>T (NM_001368143.2); c.-231C>T (NM_001368144.2); c.104C>T (NM_000500.7); short protein forms P35L.
Identifiers: ClinVar variation 2431400 (VCV002431400.2), dbSNP rs200648381, ClinGen allele CA3732275.